The following is an entry in ClinVar:

NM_001378969.1(KCND3):c.1958C>A (p.Ser653Tyr)

Gene: KCND3 (potassium voltage-gated channel subfamily D member 3; minus strand). Cytogenetic location: 1p13.2.
Variant type: single nucleotide variant.
Coding change: c.1958C>A on transcript NM_001378969.1 (MANE Select); coding-DNA position 1958, C replaced by A.
Protein change: p.Ser653Tyr; replaces serine 653 with tyrosine.
Molecular consequence: missense variant.
Genome position (GRCh38, 1-based): chr1:111,776,087, G>T on the plus strand (C>A on the coding strand, the complement: KCND3 is on the minus strand). VCF-style: chr1-111776087-G-T. GRCh37 (hg19) VCF-style: chr1-112318709-G-T.
Other names: c.1901C>A, p.Ser634Tyr (NM_001378970.1, NM_172198.3); c.1958C>A, p.Ser653Tyr (NM_004980.5); short protein forms S634Y, S653Y.
Identifiers: ClinVar variation 4614326 (VCV004614326.1).

ClinVar aggregate classification (germline): Uncertain significance (1 of 4 stars; one submission).

Conditions:
Cardiovascular phenotype. Identifiers: MedGen CN230736.

gnomAD v4.1: 4 of 1,614,162 alleles (0.00025%); highest among the groups gnomAD compares: Non-Finnish European, 0.00034%; no homozygotes.

Submission:

Ambry Genetics
Classification: Uncertain significance for Cardiovascular phenotype. Last evaluated: 2025-09-17. Review status: criteria provided, single submitter. Criteria: Ambry Variant Classification Scheme 2023. Collection method: clinical testing. Allele origin: germline.
Comment: The p.S653Y variant (also known as c.1958C>A), located in coding exon 7 of the KCND3 gene, results from a C to A substitution at nucleotide position 1958. The serine at codon 653 is replaced by tyrosine, an amino acid with dissimilar properties. This amino acid position is conserved. In addition, this alteration is predicted to be deleterious by in silico analysis. Based on the available evidence, the clinical significance of this variant remains unclear.